The following is an entry in ClinVar:

ClinVar aggregate classification (germline): Likely benign (1 of 4 stars; one submission).

Allele frequency attached by ClinVar (database versions not stated): gnomAD exomes below 0.00001.
gnomAD v4.1: 3 of 1,572,036 alleles (0.00019%); highest among the groups gnomAD compares: Non-Finnish European, 0.00017%; no homozygotes.

Submission:

GeneDx
Classification: Likely benign. Last evaluated: 2017-11-19. Review status: criteria provided, single submitter. Criteria: GeneDx Variant Classification (06012015). Collection method: clinical testing. Allele origin: germline. Affected: yes.
Comment: This variant is considered likely benign or benign based on one or more of the following criteria: it is a conservative change, it occurs at a poorly conserved position in the protein, it is predicted to be benign by multiple in silico algorithms, and/or has population frequency not consistent with disease.

NM_000182.5(HADHA):c.-13T>C

Genes: HADHA (hydroxyacyl-CoA dehydrogenase trifunctional multienzyme complex subunit alpha; minus strand), HADHB (hydroxyacyl-CoA dehydrogenase trifunctional multienzyme complex subunit beta; plus strand). Cytogenetic location: 2p23.3.
Variant type: single nucleotide variant.
Coding change: c.-13T>C on transcript NM_000182.5 (MANE Select); 13 bases upstream of the start codon, T replaced by C.
Molecular consequence: 5 prime UTR variant.
Genome position (GRCh38, 1-based): chr2:26,244,609, A>G on the plus strand (T>C on the coding strand, the complement: HADHA is on the minus strand). VCF-style: chr2-26244609-A-G. GRCh37 (hg19) VCF-style: chr2-26467477-A-G.
Identifiers: ClinVar variation 513235 (VCV000513235.1), dbSNP rs1553316730, ClinGen allele CA425203008.